The following is an entry in ClinVar:

ClinVar aggregate classification (germline): Uncertain significance (1 of 4 stars; one submission).

gnomAD v4.1: 63 of 1,612,708 alleles (0.0039%); highest among the groups gnomAD compares: Middle Eastern, 0.016%; no homozygotes.

Submission:

Women's Health and Genetics/Laboratory Corporation of America, LabCorp
Classification: Uncertain significance. Last evaluated: 2025-09-12. Review status: criteria provided, single submitter. Criteria: LabCorp Variant Classification Summary - May 2015. Collection method: clinical testing. Allele origin: germline.
Comment: Variant summary: GHSR c.505G>A (p.Ala169Thr) results in a non-conservative amino acid change in the encoded protein sequence. Algorithms developed to predict the effect of missense changes on protein structure and function are either unavailable or do not agree on the potential impact of this missense change. The variant allele was found at a frequency of 2.4e-05 in 250630 control chromosomes (gnomAD). The available data on variant occurrences in the general population are insufficient to allow any conclusion about variant significance. c.505G>A has been observed in at least one individual affected with constitutional delay of growth and puberty (Pugliese-Pires_2011). These reports do not provide unequivocal conclusions about association of the variant with Short Stature Due To Growth Hormone Secretagogue Receptor Deficiency. At least one publication reports experimental evidence evaluating an impact on protein function. These results showed no damaging effect of this variant (Pugliese-Pires_2011). The following publication has been ascertained in the context of this evaluation (PMID: 21646290). No submitters have cited clinical-significance assessments for this variant to ClinVar. Based on the evidence outlined above, the variant was classified as uncertain significance.

Literature cited by the submitters: PubMed 21646290.

NM_198407.2(GHSR):c.505G>A (p.Ala169Thr)

Gene: GHSR (growth hormone secretagogue receptor; minus strand). Cytogenetic location: 3q26.31.
Variant type: single nucleotide variant.
Coding change: c.505G>A on transcript NM_198407.2 (MANE Select); coding-DNA position 505, G replaced by A.
Protein change: p.Ala169Thr; replaces alanine 169 with threonine.
Molecular consequence: missense variant.
Genome position (GRCh38, 1-based): chr3:172,447,909, C>T on the plus strand (G>A on the coding strand, the complement: GHSR is on the minus strand). VCF-style: chr3-172447909-C-T. GRCh37 (hg19) VCF-style: chr3-172165699-C-T.
Other names: c.505G>A, p.Ala169Thr (NM_004122.2); short protein forms A169T.
Identifiers: ClinVar variation 4535554 (VCV004535554.1).